The following is an entry in ClinVar:

NM_000057.4(BLM):c.2695C>T (p.Arg899Ter)

Gene: BLM (BLM RecQ like helicase; plus strand). Cytogenetic location: 15q26.1.
Variant type: single nucleotide variant.
Coding change: c.2695C>T on transcript NM_000057.4 (MANE Select); coding-DNA position 2695, C replaced by T.
Protein change: p.Arg899Ter; replaces arginine 899 with a stop codon.
Molecular consequence: nonsense.
Genome position (GRCh38, 1-based): chr15:90,784,953, C>T. VCF-style: chr15-90784953-C-T. GRCh37 (hg19) VCF-style: chr15-91328183-C-T.
Other names: p.R899*:CGA>TGA; c.2695C>T (LRG_20t1); c.2695C>T, p.Arg899Ter (NM_001287246.2, NM_001287247.2); c.1570C>T, p.Arg524Ter (NM_001287248.2); short protein forms R899*, R524*.
Identifiers: ClinVar variation 127491 (VCV000127491.53), dbSNP rs587779884, ClinGen allele CA274025.

ClinVar aggregate classification (germline): Pathogenic. Review status: criteria provided, multiple submitters, no conflicts (2 of 4 stars). 24 submissions from 24 submitters: Pathogenic (19). 5 of the submissions do not count toward it. Last evaluated 2026-01-27.

Conditions:
Bloom syndrome (BLM). Also called: Bloom-Torre-Machacek syndrome. Identifiers: Orphanet 125, MedGen C0005859, MONDO:0008876, OMIM 210900.
BLM-related disorder. Also called: BLM-related condition.
Hereditary cancer-predisposing syndrome. Also called: Tumor predisposition; Hereditary neoplastic syndrome; Neoplastic Syndromes, Hereditary; Hereditary Cancer Syndrome. Identifiers: Orphanet 140162, MedGen C0027672, MeSH D009386, MONDO:0015356.

Allele frequency attached by ClinVar (database versions not stated): gnomAD 0.00003 and 0.00004; TOPMed 0.00005; gnomAD exomes 0.00006; ExAC 0.00007.

Submissions 1 to 12 of 24:

Labcorp Genetics (formerly Invitae), Labcorp
Classification: Pathogenic for Bloom syndrome. Last evaluated: 2026-01-27. Review status: criteria provided, single submitter. Criteria: Invitae Variant Classification Sherloc (09022015). Collection method: clinical testing. Allele origin: germline.
Comment: This sequence change creates a premature translational stop signal (p.Arg899*) in the BLM gene. It is expected to result in an absent or disrupted protein product. Loss-of-function variants in BLM are known to be pathogenic (PMID: 17407155). This variant is present in population databases (rs587779884, gnomAD 0.01%). This premature translational stop signal has been observed in individual(s) with Bloom syndrome and breast cancer (PMID: 17407155, 23028338, 23552953, 26358404, 27356891). ClinVar contains an entry for this variant (Variation ID: 127491). RNA analysis performed to evaluate the impact of this premature translational stop signal on mRNA splicing indicates it does not significantly alter splicing (internal data). For these reasons, this variant has been classified as Pathogenic.

Myriad Genetics, Inc.
Classification: Pathogenic for Bloom syndrome. Last evaluated: 2025-12-10. Review status: criteria provided, single submitter. Criteria: Myriad Autosomal Dominant, Autosomal Recessive and X-Linked Classification Criteria (2023). Collection method: clinical testing. Allele origin: unknown.
Comment: This variant is considered pathogenic. This variant creates a termination codon and is predicted to result in premature protein truncation.

Otogenetics
Classification: Pathogenic for Bloom syndrome. Last evaluated: 2025-09-19. Review status: criteria provided, single submitter. Criteria: ACMG Guidelines, 2015. Collection method: clinical testing. Allele origin: germline.
Comment: PVS1: Stop gain variant introduces premature stop codon in gene with loss of function as mechanism of disease, predicted to undergo NMD; PM2: Maximum gnomAD MAF of 0.0139% in European-Non Finnish (NFE) subpopulation (<0.055% threshold); PM3: Variant is identified in trans with 2 pathogenic variants in 2 affected patients (PMID: 17407155)

Natera, Inc.
Classification: Pathogenic for Bloom syndrome. Last evaluated: 2025-09-17. Review status: criteria provided, single submitter. Criteria: Natera Variant Classification Schema (03/2026). Collection method: clinical testing. Allele origin: germline.
Comment: The c.2695C>T variant in BLM is a nonsense variant predicted to introduce a stop codon at amino acid 899. This variant is expected to result in nonsense mediated decay, truncation, or a dysfunctional protein product. This variant is rare in the general population with a frequency below the threshold expected for the associated phenotype(s). This variant has been observed in one or more individuals affected with the associated recessive disease, as either homozygous or compound heterozygous with a second variant (PMID: 17407155). Given the available evidence, this variant is classified as Pathogenic.

GeneKor MSA
Classification: Pathogenic for Hereditary cancer-predisposing syndrome. Last evaluated: 2025-05-15. Review status: criteria provided, single submitter. Criteria: ACMG Guidelines, 2015. Collection method: clinical testing. Allele origin: germline. Affected: no.
Comment: This is a single base substitution, replacing Arginine with a Termination codon in the BLM gene - p.(Arg899*). It is expected to result in an absent or disrupted protein product. Loss-of-function variants in BLM are known to be pathogenic (PMID:17407155). This variant is present in population databases (rs587779884). This alteration has been reported in literature in individuals with colon cancer and in an individual with breast cancer (PMID:23028338, 26358404, 32449991, 27356891). It has also been reported in individuals with Bloom syndrome in homozygous or compound heterozygous state (PMID:17407155, 23552953, 29098565). The mutation database ClinVar contains entries for this variant (VCV000127491.45). Algorithms developed to predict the effect of missense changes on protein structure and function are inconclusive. Based on the classification criteria set by the ACMG and AMP (PMID:25741868) this variant has been classified as pathogenic.

Genomic Medicine Center of Excellence, King Faisal Specialist Hospital and Research Centre
Classification: Pathogenic for Bloom syndrome. Last evaluated: 2024-12-18. Review status: criteria provided, single submitter. Criteria: ACMG Guidelines, 2015. Collection method: clinical testing. Allele origin: germline.

Institute of Human Genetics, University of Leipzig Medical Center
Classification: Pathogenic for Bloom syndrome. Last evaluated: 2024-11-18. Review status: criteria provided, single submitter. Criteria: ACMG Guidelines, 2015. Collection method: clinical testing. Allele origin: unknown. Inheritance: Autosomal recessive inheritance. Affected: yes.
Comment: Criteria applied: PVS1,PM3_VSTR

Blueprint Genetics
Classification: Pathogenic for BLM-related disorders. Last evaluated: 2024-10-15. Review status: criteria provided, single submitter. Criteria: ACMG Guidelines, 2015. Collection method: clinical testing. Allele origin: germline. Affected: yes. Observed: 5 variant alleles.

Baylor Genetics
Classification: Pathogenic for Bloom syndrome. Last evaluated: 2024-03-26. Review status: criteria provided, single submitter. Criteria: ACMG Guidelines, 2015. Collection method: clinical testing. Allele origin: unknown.

GeneDx
Classification: Pathogenic. Last evaluated: 2022-09-23. Review status: criteria provided, single submitter. Criteria: GeneDx Variant Classification Process June 2021. Collection method: clinical testing. Allele origin: germline. Affected: yes.
Comment: Nonsense variant predicted to result in protein truncation or nonsense mediated decay in a gene for which loss-of-function is a known mechanism of disease; Not observed at significant frequency in large population cohorts (gnomAD); This variant is associated with the following publications: (PMID: 29453417, 28832562, 29753700, 31959344, 18401830, 26358404, 17407155, 23552953, 27356891, 23225144, 23028338, 28529015, 34426522, 25525159, 31589614, 34117267)

Genetic Services Laboratory, University of Chicago
Classification: Pathogenic. Last evaluated: 2022-01-18. Review status: criteria provided, single submitter. Criteria: ACMG Guidelines, 2015. Collection method: clinical testing. Allele origin: germline. Affected: yes.
Comment: DNA sequence analysis of the BLM gene demonstrated a sequence change, c.2695C>T, that results in the creation of a premature stop codon at amino acid position 899, p.Arg899*. This pathogenic sequence change is predicted to result in an abnormal transcript, which may be degraded, or may lead to the production of a truncated BLM protein with potentially abnormal function. This sequence change has been described in the gnomAD database with a frequency of 0.014%in the non-Finnish European subpopulation (dbSNP rs587779884). This pathogenic sequence change has previously been described in the homozygous and compound heterozygous state in individuals with Bloom syndrome (PMID: 23552953, 17407155). Additionally, this pathogenic sequence change has been identified in the heterozygous state in individuals with breast cancer, colon cancer and medulloblastoma (PMID: 23028338, 26358404, 27356891, 29753700). Collectively, these evidences indicate this sequence change is pathogenic.

Ambry Genetics
Classification: Pathogenic for Hereditary cancer-predisposing syndrome. Last evaluated: 2022-01-06. Review status: criteria provided, single submitter. Criteria: Ambry Variant Classification Scheme 2023. Collection method: clinical testing. Allele origin: germline.
Comment: The p.R899* pathogenic mutation (also known as c.2695C>T), located in coding exon 13 of the BLM gene, results from a C to T substitution at nucleotide position 2695. This changes the amino acid from an arginine to a stop codon within coding exon 13. This mutation has been identified in both the homozygous state and compound heterozygous state, with another pathogenic BLM mutation, in multiple individuals with Bloom syndrome (German J et al. Hum. Mutat. 2007 Aug;28:743-53; Classen CF et al. Hum. Genet. 2013 Jul;132:825-41; Schoenaker MHD et al. J Clin Immunol. 2018 01;38:35-44). This alteration has also been identified in the heterozygous state in one individual with a personal history of breast cancer, as well as in individuals with colon cancer (Thompson ER et al. PLoS Genet. 2012 Sep;8:e1002894; de Voer RM et al. Sci Rep. 2015 Sep;5:14060; Belhadj S et al. Hum Mutat. 2020 09;41:1563-1576). The p.R899* pathogenic mutation has also been detected in the germline of a child diagnosed with a medulloblastoma (Waszak SM et al. Lancet Oncol. 2018 Jun;19:785-798). In addition to the clinical data presented in the literature, this alteration is expected to result in loss of function by premature protein truncation or nonsense-mediated mRNA decay. As such, this alteration is interpreted as a disease-causing mutation.